The following is an entry in ClinVar:

ClinVar aggregate classification (germline): Uncertain significance (1 of 4 stars; one submission).

Allele frequency attached by ClinVar (database versions not stated): TOPMed 0.00001; gnomAD 0.00002.

Submission:

Labcorp Genetics (formerly Invitae), Labcorp
Classification: Uncertain significance. Last evaluated: 2022-11-01. Review status: criteria provided, single submitter. Criteria: Invitae Variant Classification Sherloc (09022015). Collection method: clinical testing. Allele origin: germline.
Comment: In summary, the available evidence is currently insufficient to determine the role of this variant in disease. Therefore, it has been classified as a Variant of Uncertain Significance. Algorithms developed to predict the effect of missense changes on protein structure and function (SIFT, PolyPhen-2, Align-GVGD) all suggest that this variant is likely to be tolerated. This variant has not been reported in the literature in individuals affected with EFL1-related conditions. This variant is present in population databases (no rsID available, gnomAD 0.008%). This sequence change replaces alanine, which is neutral and non-polar, with glycine, which is neutral and non-polar, at codon 397 of the EFL1 protein (p.Ala397Gly).

NM_024580.6(EFL1):c.1190C>G (p.Ala397Gly)

Gene: EFL1 (elongation factor like GTPase 1; minus strand). Cytogenetic location: 15q25.2.
Variant type: single nucleotide variant.
Coding change: c.1190C>G on transcript NM_024580.6 (MANE Select); coding-DNA position 1190, C replaced by G.
Protein change: p.Ala397Gly; replaces alanine 397 with glycine.
Molecular consequence: missense variant. On other transcripts: non-coding transcript variant (1).
Genome position (GRCh38, 1-based): chr15:82,227,452, G>C on the plus strand (C>G on the coding strand, the complement: EFL1 is on the minus strand). VCF-style: chr15-82227452-G-C. GRCh37 (hg19) VCF-style: chr15-82519793-G-C.
Other names: c.1037C>G, p.Ala346Gly (NM_001040610.3); c.401C>G, p.Ala134Gly (NM_001322844.2); c.1190C>G, p.Ala397Gly (NM_001322845.2); short protein forms A134G, A397G, A346G.
Identifiers: ClinVar variation 2113010 (VCV002113010.4), dbSNP rs1337690188, ClinGen allele CA393276972.